The following is an entry in ClinVar:

NM_006087.4(TUBB4A):c.1316C>T (p.Ala439Val)

Gene: TUBB4A (tubulin beta 4A class IVa; minus strand). Cytogenetic location: 19p13.3.
Variant type: single nucleotide variant.
Coding change: c.1316C>T on transcript NM_006087.4 (MANE Select); coding-DNA position 1316, C replaced by T.
Protein change: p.Ala439Val; replaces alanine 439 with valine.
Molecular consequence: missense variant.
Genome position (GRCh38, 1-based): chr19:6,495,183, G>A on the plus strand (C>T on the coding strand, the complement: TUBB4A is on the minus strand). VCF-style: chr19-6495183-G-A. GRCh37 (hg19) VCF-style: chr19-6495194-G-A.
Other names: c.1469C>T, p.Ala490Val (NM_001289123.2); c.1451C>T, p.Ala484Val (NM_001289127.2); c.1316C>T, p.Ala439Val (NM_001289129.2); c.1100C>T, p.Ala367Val (NM_001289130.2, NM_001289131.2); short protein forms A367V, A439V, A484V, A490V.
Identifiers: ClinVar variation 656505 (VCV000656505.10), dbSNP rs199569370, ClinGen allele CA9127235.

ClinVar aggregate classification (germline): Uncertain significance (1 of 4 stars; one submission).

Conditions:
Leukodystrophy, hypomyelinating, 6. Also called: TUBB4A-Associated Leukodystrophy; Hypomyelination with Atrophy of Basal Ganglia and Cerebellum (H-ABC); LEUKODYSTROPHY, HYPOMYELINATING, WITH ATROPHY OF THE BASAL GANGLIA AND CEREBELLUM. Identifiers: Orphanet 139441, MedGen C2676244, MONDO:0012905, OMIM 612438.

Allele frequency attached by ClinVar (database versions not stated): TOPMed 0.00002; gnomAD 0.00003.
gnomAD v4.1: 34 of 1,613,684 alleles (0.0021%); highest among the groups gnomAD compares: South Asian, 0.0066%; no homozygotes.

Submission:

Labcorp Genetics (formerly Invitae), Labcorp
Classification: Uncertain significance for Leukodystrophy, hypomyelinating, 6. Last evaluated: 2022-03-26. Review status: criteria provided, single submitter. Criteria: Invitae Variant Classification Sherloc (09022015). Collection method: clinical testing. Allele origin: germline.
Comment: ClinVar contains an entry for this variant (Variation ID: 656505). Algorithms developed to predict the effect of missense changes on protein structure and function are either unavailable or do not agree on the potential impact of this missense change (SIFT: "Tolerated"; PolyPhen-2: "Not Available"; Align-GVGD: "Class C0"). In summary, the available evidence is currently insufficient to determine the role of this variant in disease. Therefore, it has been classified as a Variant of Uncertain Significance. This variant has not been reported in the literature in individuals affected with TUBB4A-related conditions. The frequency data for this variant in the population databases is considered unreliable, as metrics indicate poor data quality at this position in the gnomAD database. This sequence change replaces alanine, which is neutral and non-polar, with valine, which is neutral and non-polar, at codon 439 of the TUBB4A protein (p.Ala439Val).